The following is an entry in ClinVar:

ClinVar aggregate classification (germline): Benign/Likely benign. Review status: criteria provided, multiple submitters, no conflicts (2 of 4 stars). 6 submissions from 6 submitters: Benign (5); Likely benign (1). Last evaluated 2026-08-01.

Conditions:
Inborn genetic diseases. Identifiers: MedGen C0950123, MeSH D030342.
Kleefstra syndrome 1 (KLEFS1). Identifiers: Orphanet 261494, MedGen C0795833, MONDO:0027407, OMIM 610253.

Allele frequency attached by ClinVar (database versions not stated): 1000 Genomes Project 0.00020; 1000 Genomes Project 30x 0.00031; TOPMed 0.00033; ESP Exome Variant Server 0.00054; gnomAD exomes 0.00055 and 0.00095; gnomAD 0.00072 and 0.00073; ExAC 0.00094.
gnomAD v4.1: 908 of 1,613,184 alleles (0.056%); highest among the groups gnomAD compares: Non-Finnish European, 0.046%; no homozygotes.

Submissions (6):

CeGaT Center for Human Genetics Tuebingen
Classification: Benign. Last evaluated: 2026-08-01. Review status: criteria provided, single submitter. Criteria: CeGaT Center For Human Genetics Tuebingen Variant Classification Criteria Version 2. Collection method: clinical testing. Allele origin: germline. Affected: yes. Observed: 6 variant alleles.
Comment: EHMT1: BP4, BS1, BS2

Labcorp Genetics (formerly Invitae), Labcorp
Classification: Benign for Kleefstra syndrome 1. Last evaluated: 2026-01-05. Review status: criteria provided, single submitter. Criteria: Invitae Variant Classification Sherloc (09022015). Collection method: clinical testing. Allele origin: germline.

Blueprint Genetics
Classification: Likely benign. Last evaluated: 2024-11-22. Review status: criteria provided, single submitter. Criteria: ACMG Guidelines, 2015. Collection method: clinical testing. Allele origin: germline.

GeneDx
Classification: Benign. Last evaluated: 2020-12-08. Review status: criteria provided, single submitter. Criteria: GeneDx Variant Classification Process June 2021. Collection method: clinical testing. Allele origin: germline. Affected: yes.

Genetic Services Laboratory, University of Chicago
Classification: Benign. Last evaluated: 2017-04-24. Review status: criteria provided, single submitter. Criteria: ACMG Guidelines, 2015. Collection method: clinical testing. Allele origin: germline. Affected: no.

Ambry Genetics
Classification: Benign for Inborn genetic diseases. Last evaluated: 2016-06-28. Review status: criteria provided, single submitter. Criteria: Ambry Variant Classification Scheme 2023. Collection method: clinical testing. Allele origin: germline.

NM_024757.5(EHMT1):c.251G>A (p.Gly84Asp)

Gene: EHMT1 (euchromatic histone lysine methyltransferase 1; plus strand). Cytogenetic location: 9q34.3.
Variant type: single nucleotide variant.
Coding change: c.251G>A on transcript NM_024757.5 (MANE Select); coding-DNA position 251, G replaced by A.
Protein change: p.Gly84Asp; replaces glycine 84 with aspartic acid.
Molecular consequence: missense variant.
Genome position (GRCh38, 1-based): chr9:137,716,791, G>A. VCF-style: chr9-137716791-G-A. GRCh37 (hg19) VCF-style: chr9-140611243-G-A.
Other names: c.251G>A, p.Gly84Asp (NM_001145527.2, NM_001354263.2, NM_001354611.2); c.158G>A, p.Gly53Asp (NM_001354259.2, NM_001354612.2); short protein forms G84D, G53D.
Identifiers: ClinVar variation 365992 (VCV000365992.47), dbSNP rs142887098, ClinGen allele CA5374244.